The following is an entry in ClinVar:

NM_006384.4(CIB1):c.538T>A (p.Ser180Thr)

Gene: CIB1 (calcium and integrin binding 1; minus strand). Cytogenetic location: 15q26.1.
Variant type: single nucleotide variant.
Coding change: c.538T>A on transcript NM_006384.4 (MANE Select); coding-DNA position 538, T replaced by A.
Protein change: p.Ser180Thr; replaces serine 180 with threonine.
Molecular consequence: missense variant. On other transcripts: non-coding transcript variant (2).
Genome position (GRCh38, 1-based): chr15:90,230,950, A>T on the plus strand (T>A on the coding strand, the complement: CIB1 is on the minus strand). VCF-style: chr15-90230950-A-T. GRCh37 (hg19) VCF-style: chr15-90774182-A-T.
Other names: c.658T>A, p.Ser220Thr (NM_001277764.2); short protein forms S180T, S220T.
Identifiers: ClinVar variation 1498774 (VCV001498774.8), dbSNP rs2151634567, ClinGen allele CA393813502.
Genomic context (GRCh38, chr15:90,230,950, plus strand): 5'-CGGAACCTGCAGGTACCCAGAATGAAGGGGGACCACTGTCATACCTGGCAAAGTCTGGAG[A>T]ACGGGAGATGACGTGCTGGAACTCAGAGAGGTTGATGGTTCCATCCCTGTCAATGTCAGA-3'
Protein context (NP_006375.2, residues 170-190): LSEFQHVISR[Ser180Thr]PDFASSFKIV

ClinVar aggregate classification (germline): Uncertain significance (1 of 4 stars; one submission).

gnomAD v4.1: 1 of 1,614,044 alleles (0.000062%); no homozygotes.

Submission:

Labcorp Genetics (formerly Invitae), Labcorp
Classification: Uncertain significance. Last evaluated: 2021-04-17. Review status: criteria provided, single submitter. Criteria: Invitae Variant Classification Sherloc (09022015). Collection method: clinical testing. Allele origin: germline.
Comment: Algorithms developed to predict the effect of missense changes on protein structure and function are either unavailable or do not agree on the potential impact of this missense change (SIFT: "Deleterious"; PolyPhen-2: "Not Available"; Align-GVGD: "Class C55"). In summary, the available evidence is currently insufficient to determine the role of this variant in disease. Therefore, it has been classified as a Variant of Uncertain Significance. This variant has not been reported in the literature in individuals with CIB1-related conditions. This variant is not present in population databases (ExAC no frequency). This sequence change replaces serine with threonine at codon 220 of the CIB1 protein (p.Ser220Thr). The serine residue is highly conserved and there is a small physicochemical difference between serine and threonine.